The following is an entry in ClinVar:

NM_001458.5(FLNC):c.7781G>A (p.Gly2594Asp)

Genes: FLNC (filamin C; plus strand), FLNC-AS1 (FLNC antisense RNA 1; minus strand). Cytogenetic location: 7q32.1.
Variant type: single nucleotide variant.
Coding change: c.7781G>A on transcript NM_001458.5 (MANE Select); coding-DNA position 7781, G replaced by A.
Protein change: p.Gly2594Asp; replaces glycine 2594 with aspartic acid.
Molecular consequence: missense variant.
Genome position (GRCh38, 1-based): chr7:128,858,008, G>A. VCF-style: chr7-128858008-G-A. GRCh37 (hg19) VCF-style: chr7-128498062-G-A.
Other names: c.7682G>A, p.Gly2561Asp (NM_001127487.2); short protein forms G2594D, G2561D.
Identifiers: ClinVar variation 2565532 (VCV002565532.2), dbSNP rs2536672772, ClinGen allele CA369219998.

ClinVar aggregate classification (germline): Uncertain significance (1 of 4 stars; one submission).

Conditions:
Cardiovascular phenotype. Identifiers: MedGen CN230736.

Submission:

Ambry Genetics
Classification: Uncertain significance for Cardiovascular phenotype. Last evaluated: 2023-06-01. Review status: criteria provided, single submitter. Criteria: Ambry Variant Classification Scheme 2023. Collection method: clinical testing. Allele origin: germline.
Comment: The p.G2594D variant (also known as c.7781G>A) is located in coding exon 47 of the FLNC gene. The glycine at codon 2594 is replaced by aspartic acid, an amino acid with similar properties. This change occurs in the first base pair of coding exon 47. This amino acid position is conserved. In addition, this alteration is predicted to be deleterious by in silico analysis. Since supporting evidence is limited at this time, the clinical significance of this alteration remains unclear.